The following is an entry in ClinVar:

ClinVar aggregate classification (germline): Conflicting classifications of pathogenicity. Review status: criteria provided, conflicting classifications (1 of 4 stars). 3 submissions from 3 submitters: Uncertain significance (2); Likely benign (1). Last evaluated 2025-04-09.

Conditions:
Autosomal recessive limb-girdle muscular dystrophy type 2J (LGMDR10). Also called: Limb-girdle muscular dystrophy, type 2J; MUSCULAR DYSTROPHY, LIMB-GIRDLE, AUTOSOMAL RECESSIVE 10. Identifiers: Orphanet 140922, MedGen C1837342, MONDO:0012127, OMIM 608807.
Dilated cardiomyopathy 1G (CMD1G). Identifiers: Orphanet 154, MedGen C1858763, MONDO:0011400, OMIM 604145.
Hypertrophic cardiomyopathy 9. Also called: Familial hypertrophic cardiomyopathy 9. Identifiers: MedGen C1861065, MONDO:0013412, OMIM 613765.
Tibial muscular dystrophy (TMD). Also called: UDD MYOPATHY; Udd Distal Myopathy – Tibial Muscular Dystrophy; Tibial muscular dystrophy, tardive. Identifiers: Orphanet 609, MedGen C1838244, MONDO:0010870, OMIM 600334.
Early-onset myopathy with fatal cardiomyopathy (CMYO5). Also called: CONGENITAL MYOPATHY 5 WITH CARDIOMYOPATHY; Salih Myopathy. Identifiers: Orphanet 289377, MedGen C2673677, MONDO:0012714, OMIM 611705. Disease mechanism: loss of function.
Myopathy, myofibrillar, 9, with early respiratory failure (MFM9). Also called: EDSTROM MYOPATHY; MYOPATHY, PROXIMAL, WITH EARLY RESPIRATORY MUSCLE INVOLVEMENT; Hereditary myopathy with early respiratory failure; Myopathy, distal, with early respiratory failure, autosomal dominant. Identifiers: Orphanet 178464, Orphanet 34521, MedGen C1863599, MONDO:0011362, OMIM 603689.

Allele frequency attached by ClinVar (database versions not stated): TOPMed 0.00001; gnomAD exomes 0.00002 and 0.00006; ExAC 0.00003; ESP Exome Variant Server 0.00017.
gnomAD v4.1: 84 of 1,613,510 alleles (0.0052%); highest among the groups gnomAD compares: Non-Finnish European, 0.0071%; no homozygotes.

Submissions (3):

Molecular Diagnostic Laboratory for Inherited Cardiovascular Disease, Montreal Heart Institute
Classification: Likely benign. Last evaluated: 2025-04-09. Review status: criteria provided, single submitter. Criteria: ACMG Guidelines, 2015. Collection method: clinical testing. Allele origin: germline. Affected: no.
Comment: PM2

Fulgent Genetics
Classification: Uncertain significance for Tibial muscular dystrophy; Myopathy, myofibrillar, 9, with early respiratory failure; Dilated cardiomyopathy 1G; Autosomal recessive limb-girdle muscular dystrophy type 2J; Early-onset myopathy with fatal cardiomyopathy; Hypertrophic cardiomyopathy 9. Last evaluated: 2022-03-01. Review status: criteria provided, single submitter. Criteria: ACMG Guidelines, 2015. Collection method: clinical testing. Allele origin: unknown.

Labcorp Genetics (formerly Invitae), Labcorp
Classification: Uncertain significance for Dilated cardiomyopathy 1G; Autosomal recessive limb-girdle muscular dystrophy type 2J. Last evaluated: 2017-10-27. Review status: criteria provided, single submitter. Criteria: Invitae Variant Classification Sherloc (09022015). Collection method: clinical testing. Allele origin: germline.

NM_001267550.2(TTN):c.36448G>T (p.Val12150Leu)

Gene: TTN (titin; minus strand). Cytogenetic location: 2q31.2.
Variant type: single nucleotide variant.
Coding change: c.36448G>T on transcript NM_001267550.2 (MANE Select); coding-DNA position 36448, G replaced by T.
Protein change: p.Val12150Leu; replaces valine 12150 with leucine.
Molecular consequence: missense variant. On other transcripts: intron variant (5).
Genome position (GRCh38, 1-based): chr2:178,663,819, C>A on the plus strand (G>T on the coding strand, the complement: TTN is on the minus strand). VCF-style: chr2-178663819-C-A. GRCh37 (hg19) VCF-style: chr2-179528546-C-A.
Other names: c.13283-21502G>T (NM_003319.4); c.13859-21502G>T (NM_133437.4); c.13658-21502G>T (NM_133432.3); c.31484-764G>T (NM_133378.4); c.34265-764G>T (NM_001256850.1); short protein forms V12150L.
Identifiers: ClinVar variation 535304 (VCV000535304.6), dbSNP rs371317962, ClinGen allele CA1997482.
Genomic context (GRCh38, chr2:178,663,819, plus strand): 5'-GAAAAAATATCTTCAAGAGCAAAAGAATGAGATCTGAAGCCTAAGGTCAGTGGCAACTAC[C>A]TTTAACAGGTGGGACTTCAGGCTCTTTAGGAGGAGCCAAGGGCACTTTCTCTTCGCGGAT-3'
Protein context (NP_001254479.2, residues 12140-12160): PKEPEVPPVK[Val12150Leu]PEPPKEVVPE